The following is an entry in ClinVar:

ClinVar aggregate classification (germline): Uncertain significance (1 of 4 stars; one submission).

Conditions:
Cockayne syndrome. Identifiers: Orphanet 191, MedGen C0009207, MONDO:0016006.
Xeroderma pigmentosum, group F (XPF). Also called: XERODERMA PIGMENTOSUM, COMPLEMENTATION GROUP F; XERODERMA PIGMENTOSUM VI; XP, GROUP F; XERODERMA PIGMENTOSUM, TYPE F; Xeroderma pigmentosum, type 6; ERCC4-Related Xeroderma Pigmentosum. Identifiers: MedGen C0268140, MONDO:0010215, OMIM 278760.
Fanconi anemia complementation group Q. Identifiers: Orphanet 84, MedGen C3808988, MONDO:0014108, OMIM 615272.

Allele frequency attached by ClinVar (database versions not stated): gnomAD exomes below 0.00001; TOPMed 0.00003; gnomAD 0.00005.
gnomAD v4.1: 12 of 1,611,924 alleles (0.00074%); highest among the groups gnomAD compares: African/African-American, 0.015%; no homozygotes.

Submission:

Labcorp Genetics (formerly Invitae), Labcorp
Classification: Uncertain significance for Fanconi anemia complementation group Q; Xeroderma pigmentosum, group F; Cockayne syndrome. Last evaluated: 2025-05-19. Review status: criteria provided, single submitter. Criteria: Invitae Variant Classification Sherloc (09022015). Collection method: clinical testing. Allele origin: germline.
Comment: This sequence change replaces serine, which is neutral and polar, with asparagine, which is neutral and polar, at codon 398 of the ERCC4 protein (p.Ser398Asn). This variant is present in population databases (no rsID available, gnomAD 0.008%). This variant has not been reported in the literature in individuals affected with ERCC4-related conditions. ClinVar contains an entry for this variant (Variation ID: 1476110). Invitae Evidence Modeling of protein sequence and biophysical properties (such as structural, functional, and spatial information, amino acid conservation, physicochemical variation, residue mobility, and thermodynamic stability) indicates that this missense variant is not expected to disrupt ERCC4 protein function with a negative predictive value of 80%. In summary, the available evidence is currently insufficient to determine the role of this variant in disease. Therefore, it has been classified as a Variant of Uncertain Significance.

NM_005236.3(ERCC4):c.1193G>A (p.Ser398Asn)

Gene: ERCC4 (ERCC excision repair 4, endonuclease catalytic subunit; plus strand). Cytogenetic location: 16p13.12.
Variant type: single nucleotide variant.
Coding change: c.1193G>A on transcript NM_005236.3 (MANE Select); coding-DNA position 1193, G replaced by A.
Protein change: p.Ser398Asn; replaces serine 398 with asparagine.
Molecular consequence: missense variant.
Genome position (GRCh38, 1-based): chr16:13,934,282, G>A. VCF-style: chr16-13934282-G-A. GRCh37 (hg19) VCF-style: chr16-14028139-G-A.
Other names: short protein forms S398N.
Identifiers: ClinVar variation 1476110 (VCV001476110.6), dbSNP rs1238124123, ClinGen allele CA394807815.